The following is an entry in ClinVar:

NM_001130987.2(DYSF):c.3678C>T (p.Ile1226=)

Gene: DYSF (dysferlin; plus strand). Cytogenetic location: 2p13.2.
Variant type: single nucleotide variant.
Coding change: c.3678C>T on transcript NM_001130987.2 (MANE Select); coding-DNA position 3678, C replaced by T.
Protein change: p.Ile1226=; no amino-acid change (isoleucine 1226 retained).
Molecular consequence: synonymous variant.
Genome position (GRCh38, 1-based): chr2:71,598,667, C>T. VCF-style: chr2-71598667-C-T. GRCh37 (hg19) VCF-style: chr2-71825797-C-T.
Other names: c.3627C>T, p.Ile1209= (NM_001130455.2, NM_001130983.2); c.3582C>T, p.Ile1194= (NM_001130976.2, NM_001130977.2); c.3624C>T, p.Ile1208= (NM_001130978.2, NM_003494.4); c.3717C>T, p.Ile1239= (NM_001130979.2); c.3675C>T, p.Ile1225= (NM_001130980.2, NM_001130981.2); c.3720C>T, p.Ile1240= (NM_001130982.2); c.3585C>T, p.Ile1195= (NM_001130984.2, NM_001130986.2); c.3678C>T, p.Ile1226= (NM_001130985.2).
Identifiers: ClinVar variation 284874 (VCV000284874.47), dbSNP rs148858485, ClinGen allele CA1706662.

ClinVar aggregate classification (germline): Conflicting classifications of pathogenicity. Review status: criteria provided, conflicting classifications (1 of 4 stars). 8 submissions from 8 submitters: Uncertain significance (2); Likely benign (5). 1 of the submissions does not count toward it. Last evaluated 2026-09-01.

Conditions:
Neuromuscular disease caused by qualitative or quantitative defects of dysferlin. Also called: Dysferlinopathy; Qualitative or quantitative defects of dysferlin. Identifiers: Orphanet 207073, MedGen C2931687, MONDO:0016145.
Autosomal recessive limb-girdle muscular dystrophy type 2B (LGMDR2). Also called: Limb-Girdle Muscular Dystrophy Type 2B (LGMD2B); MUSCULAR DYSTROPHY, LIMB-GIRDLE, AUTOSOMAL RECESSIVE 2; MUSCULAR DYSTROPHY, LIMB-GIRDLE, TYPE 3; Limb-girdle muscular dystrophy, type 2B. Identifiers: Orphanet 268, MedGen C1850889, MONDO:0009676, OMIM 253601.
Miyoshi muscular dystrophy 1 (MMD1). Identifiers: Orphanet 45448, MedGen C4551973, MONDO:0024545, OMIM 254130.

Allele frequency attached by ClinVar (database versions not stated): ESP Exome Variant Server 0.00046; TOPMed 0.00070.
gnomAD v4.1: 1,776 of 1,613,988 alleles (0.11%); highest among the groups gnomAD compares: Admixed American, 0.14%; 2 homozygotes.

Submissions (8):

CeGaT Center for Human Genetics Tuebingen
Classification: Likely benign. Last evaluated: 2026-09-01. Review status: criteria provided, single submitter. Criteria: CeGaT Center For Human Genetics Tuebingen Variant Classification Criteria Version 2. Collection method: clinical testing. Allele origin: germline. Affected: yes. Observed: 5 variant alleles.
Comment: DYSF: BP4, BP7

Labcorp Genetics (formerly Invitae), Labcorp
Classification: Likely benign for Neuromuscular disease caused by qualitative or quantitative defects of dysferlin. Last evaluated: 2026-02-01. Review status: criteria provided, single submitter. Criteria: Invitae Variant Classification Sherloc (09022015). Collection method: clinical testing. Allele origin: germline.

Blueprint Genetics
Classification: Likely benign. Last evaluated: 2024-10-08. Review status: criteria provided, single submitter. Criteria: ACMG Guidelines, 2015. Collection method: clinical testing. Allele origin: germline.

Genome-Nilou Lab
Classification: Likely benign for Miyoshi muscular dystrophy 1. Last evaluated: 2021-05-18. Review status: criteria provided, single submitter. Criteria: ACMG Guidelines, 2015. Collection method: clinical testing. Allele origin: germline. Affected: no.

GeneDx
Classification: Likely benign. Last evaluated: 2018-02-08. Review status: criteria provided, single submitter. Criteria: GeneDx Variant Classification (06012015). Collection method: clinical testing. Allele origin: germline. Affected: yes.
Comment: This variant is considered likely benign or benign based on one or more of the following criteria: it is a conservative change, it occurs at a poorly conserved position in the protein, it is predicted to be benign by multiple in silico algorithms, and/or has population frequency not consistent with disease.

Eurofins Ntd Llc (ga)
Classification: Uncertain significance. Last evaluated: 2017-09-14. Review status: criteria provided, single submitter. Criteria: EGL Classification Definitions 2015. Collection method: clinical testing. Allele origin: germline. Observed: 9 variant alleles, 9 heterozygotes.

Illumina Laboratory Services, Illumina
Classification: Uncertain significance for Qualitative or quantitative defects of dysferlin. Last evaluated: 2017-04-27. Review status: criteria provided, single submitter. Criteria: ICSL Variant Classification Criteria 13 December 2019. Collection method: clinical testing. Allele origin: germline.

Natera, Inc.
Classification: Likely benign for Limb-girdle muscular dystrophy type 2B. Last evaluated: 2020-09-16. Review status: no assertion criteria provided. Collection method: clinical testing. Allele origin: germline. Not counted in ClinVar's aggregate classification.